The following is an entry in ClinVar:

NM_000368.5(TSC1):c.211-2A>C

Gene: TSC1 (TSC complex subunit 1; minus strand). Cytogenetic location: 9q34.13.
Variant type: single nucleotide variant.
Coding change: c.211-2A>C on transcript NM_000368.5 (MANE Select); the canonical splice acceptor site of the intron before coding-DNA position 211, A replaced by C.
Molecular consequence: splice acceptor variant. On other transcripts: intron variant (5).
Genome position (GRCh38, 1-based): chr9:132,925,741, T>G on the plus strand (A>C on the coding strand, the complement: TSC1 is on the minus strand). VCF-style: chr9-132925741-T-G. GRCh37 (hg19) VCF-style: chr9-135801128-T-G.
Other names: c.-153-2A>C (NM_001406620.1, NM_001406618.1, NM_001406625.1 and 5 more transcripts); c.210+1460A>C (NM_001406613.1, NM_001406612.1, NM_001406610.1 and 2 more transcripts); c.211-2A>C (NM_001406598.1, NM_001406607.1, NM_001406593.1 and 16 more transcripts); c.-245-2A>C (NM_001406614.1, NM_001406624.1, NM_001406616.1); c.-667-2A>C (NM_001406628.1, NM_001406626.1, NM_001406627.1); c.-809-2A>C (NM_001406629.1); c.-883-2A>C (NM_001406630.1); c.-278-2A>C (NM_001406623.1, NM_001406615.1).
Identifiers: ClinVar variation 48903 (VCV000048903.14), dbSNP rs118203352, ClinGen allele CA006053.

ClinVar aggregate classification (germline): Pathogenic. Review status: criteria provided, multiple submitters, no conflicts (2 of 4 stars). 4 submissions from 4 submitters: Pathogenic (3). 1 of the submissions does not count toward it. Last evaluated 2025-07-15.

Conditions:
Tuberous sclerosis syndrome (TSC). Also called: Tuberous Sclerosis Complex; Tuberous sclerosis. Identifiers: Orphanet 805, MedGen C0041341, MONDO:0001734.
Tuberous sclerosis 1 (TSC1). Identifiers: Orphanet 805, MedGen C1854465, MONDO:0008612, OMIM 191100.

Submissions (4):

Labcorp Genetics (formerly Invitae), Labcorp
Classification: Pathogenic for Tuberous sclerosis 1. Last evaluated: 2025-07-15. Review status: criteria provided, single submitter. Criteria: Invitae Variant Classification Sherloc (09022015). Collection method: clinical testing. Allele origin: germline.
Comment: This sequence change affects an acceptor splice site in intron 4 of the TSC1 gene. It is expected to disrupt RNA splicing. Variants that disrupt the donor or acceptor splice site typically lead to a loss of protein function (PMID: 16199547), and loss-of-function variants in TSC1 are known to be pathogenic (PMID: 10227394, 17304050). This variant is not present in population databases (gnomAD no frequency). Disruption of this splice site has been observed in individuals with clinical features of tuberous sclerosis (PMID: 10227394, 11112665; internal data). ClinVar contains an entry for this variant (Variation ID: 48903). Algorithms developed to predict the effect of sequence changes on RNA splicing suggest that this variant may disrupt the consensus splice site. For these reasons, this variant has been classified as Pathogenic.

Genome-Nilou Lab
Classification: Pathogenic for Tuberous sclerosis 1. Last evaluated: 2021-11-07. Review status: criteria provided, single submitter. Criteria: ACMG Guidelines, 2015. Collection method: clinical testing. Allele origin: germline. Affected: no.

Athena Diagnostics
Classification: Pathogenic for Tuberous sclerosis 1. Last evaluated: 2015-03-10. Review status: criteria provided, single submitter. Criteria: Athena Diagnostics Criteria. Collection method: clinical testing. Allele origin: germline. Inheritance: Autosomal dominant inheritance.

Tuberous sclerosis database (TSC1)
No classification provided. Condition: TSC. Review status: no classification provided. Criteria: Tuberous Sclerosis Database Assertion Criteria 2015. Collection method: curation. Allele origin: germline. Affected: yes. Not counted in ClinVar's aggregate classification.

Literature cited by the submitters: PubMed 16199547 (cited by Labcorp Genetics (formerly Invitae), Labcorp); PubMed 10227394 (cited by Labcorp Genetics (formerly Invitae), Labcorp); PubMed 17304050 (cited by Labcorp Genetics (formerly Invitae), Labcorp); PubMed 11112665 (cited by Labcorp Genetics (formerly Invitae), Labcorp); PubMed 15798777 (cited by Athena Diagnostics).